The following is an entry in ClinVar:

ClinVar aggregate classification (germline): Uncertain significance (1 of 4 stars; one submission).

Allele frequency attached by ClinVar (database versions not stated): gnomAD 0.00001; gnomAD exomes 0.00001; TOPMed 0.00001.
gnomAD v4.1: 18 of 1,607,348 alleles (0.0011%); highest among the groups gnomAD compares: Non-Finnish European, 0.0014%; no homozygotes.

Submission:

Labcorp Genetics (formerly Invitae), Labcorp
Classification: Uncertain significance. Last evaluated: 2022-07-20. Review status: criteria provided, single submitter. Criteria: Invitae Variant Classification Sherloc (09022015). Collection method: clinical testing. Allele origin: germline.
Comment: This sequence change replaces serine, which is neutral and polar, with threonine, which is neutral and polar, at codon 483 of the MPDZ protein (p.Ser483Thr). This variant is present in population databases (no rsID available, gnomAD 0.0009%). This variant has not been reported in the literature in individuals affected with MPDZ-related conditions. Algorithms developed to predict the effect of missense changes on protein structure and function (SIFT, PolyPhen-2, Align-GVGD) all suggest that this variant is likely to be tolerated. In summary, the available evidence is currently insufficient to determine the role of this variant in disease. Therefore, it has been classified as a Variant of Uncertain Significance.

NM_001378778.1(MPDZ):c.1447T>A (p.Ser483Thr)

Gene: MPDZ (multiple PDZ domain crumbs cell polarity complex component; minus strand). Cytogenetic location: 9p23.
Variant type: single nucleotide variant.
Coding change: c.1447T>A on transcript NM_001378778.1 (MANE Select); coding-DNA position 1447, T replaced by A.
Protein change: p.Ser483Thr; replaces serine 483 with threonine.
Molecular consequence: missense variant.
Genome position (GRCh38, 1-based): chr9:13,205,943, A>T on the plus strand (T>A on the coding strand, the complement: MPDZ is on the minus strand). VCF-style: chr9-13205943-A-T. GRCh37 (hg19) VCF-style: chr9-13205942-A-T.
Other names: c.1447T>A, p.Ser483Thr (NM_001261406.2, NM_001261407.2, NM_001330637.2 and 14 more transcripts); short protein forms S483T.
Identifiers: ClinVar variation 2415897 (VCV002415897.4), dbSNP rs1365965349, ClinGen allele CA372943081.
Genomic context (GRCh38, chr9:13,205,943, plus strand): 5'-GTCTAACTAAAAACCAGATTAACATAGGATTACCTTTGATTATGCTGGCATTAACAGGAG[A>T]CAAATCTGCATCTTTTGTGACGTCTTCCCTTGACATGAGCTCGGCTTCCTGCTTCATTCC-3'
Protein context (NP_001365707.1, residues 473-493): REDVTKDADL[Ser483Thr]PVNASIIKEN